The following is an entry in ClinVar:

NM_000266.4(NDP):c.*193_*194insTTTTC

Gene: NDP (norrin cystine knot growth factor NDP; minus strand). Cytogenetic location: Xp11.3.
Variant type: Insertion.
Coding change: c.*193_*194insTTTTC on transcript NM_000266.4 (MANE Select); 193 bases downstream of the stop codon through 194 bases downstream of the stop codon, TTTTC inserted.
Molecular consequence: 3 prime UTR variant.
Genome position: GRCh38 VCF-style: chrX-43949605-G-GGAAAA. GRCh37 (hg19) VCF-style: chrX-43808851-G-GGAAAA.
Identifiers: ClinVar variation 1311771 (VCV001311771.2), dbSNP rs2147204553, ClinGen allele CA2573055326.

ClinVar aggregate classification (germline): Uncertain significance (1 of 4 stars; one submission).

Submission:

GeneDx
Classification: Uncertain significance. Last evaluated: 2019-08-28. Review status: criteria provided, single submitter. Criteria: GeneDx Variant Classification Process June 2021. Collection method: clinical testing. Allele origin: germline. Affected: yes.
Comment: Located in a region that tolerates variation and lacks pathogenic variants; Has not been previously published as pathogenic or benign to our knowledge; No data available from control populations to assess the frequency of this variant